The following is an entry in ClinVar:

ClinVar aggregate classification (germline): Benign. Review status: criteria provided, multiple submitters, no conflicts (2 of 4 stars). 7 submissions from 7 submitters: Benign (6). 1 of the submissions does not count toward it. Last evaluated 2026-02-04.

Conditions:
Hereditary spastic paraplegia 51. Also called: CEREBRAL PALSY, SPASTIC QUADRIPLEGIC, 4; Spastic paraplegia 51, autosomal recessive. Identifiers: Orphanet 280763, MedGen C3151056, MONDO:0013401, OMIM 613744.
Spastic paraplegia. Identifiers: HP:0007216, MedGen C0037772.

Allele frequency attached by ClinVar (database versions not stated): gnomAD exomes 0.54885 and 0.57042; 1000 Genomes Project 0.55911; ESP Exome Variant Server 0.56279; ExAC 0.56529; gnomAD 0.56594 and 0.56600; 1000 Genomes Project 30x 0.56683; TOPMed 0.57145.
gnomAD v4.1: 882,596 of 1,603,050 alleles (55%); highest among the groups gnomAD compares: Admixed American, 65%; 245,547 homozygotes.

Submissions (7):

Labcorp Genetics (formerly Invitae), Labcorp
Classification: Benign for Spastic paraplegia. Last evaluated: 2026-02-04. Review status: criteria provided, single submitter. Criteria: Invitae Variant Classification Sherloc (09022015). Collection method: clinical testing. Allele origin: germline.

Blueprint Genetics
Classification: Benign. Last evaluated: 2024-11-27. Review status: criteria provided, single submitter. Criteria: ACMG Guidelines, 2015. Collection method: clinical testing. Allele origin: germline.

Genome-Nilou Lab
Classification: Benign for Hereditary spastic paraplegia 51. Last evaluated: 2021-07-14. Review status: criteria provided, single submitter. Criteria: ACMG Guidelines, 2015. Collection method: clinical testing. Allele origin: germline. Affected: no.

Clinical Genetics DNA and cytogenetics Diagnostics Lab, Erasmus MC, Erasmus Medical Center
Classification: Benign for Hereditary spastic paraplegia 51. Last evaluated: 2017-05-31. Review status: criteria provided, single submitter. Criteria: ACGS Guidelines, 2013. Collection method: clinical testing. Allele origin: germline. Affected: yes. Study: VKGL Data-share Consensus.

GeneDx
Classification: Benign. Last evaluated: 2016-02-01. Review status: criteria provided, single submitter. Criteria: GeneDx Variant Classification (06012015). Collection method: clinical testing. Allele origin: germline. Affected: yes.
Comment: This variant is considered likely benign or benign based on one or more of the following criteria: it is a conservative change, it occurs at a poorly conserved position in the protein, it is predicted to be benign by multiple in silico algorithms, and/or has population frequency not consistent with disease.

Breakthrough Genomics
Classification: Benign. Review status: criteria provided, single submitter. Criteria: ACMG Guidelines, 2015. Collection method: not provided. Allele origin: germline. Inheritance: Autosomal recessive inheritance. Affected: yes.

Diagnostic Laboratory, Department of Genetics, University Medical Center Groningen
Classification: Benign for Hereditary spastic paraplegia 51. Review status: no assertion criteria provided. Collection method: clinical testing. Allele origin: germline. Affected: yes. Study: VKGL Data-share Consensus. Not counted in ClinVar's aggregate classification.

NM_007347.5(AP4E1):c.222+18G>A

Gene: AP4E1 (adaptor related protein complex 4 subunit epsilon 1; plus strand). Cytogenetic location: 15q21.2.
Variant type: single nucleotide variant.
Coding change: c.222+18G>A on transcript NM_007347.5 (MANE Select); 18 bases into the intron after coding-DNA position 222, G replaced by A.
Molecular consequence: intron variant.
Genome position (GRCh38, 1-based): chr15:50,912,167, G>A. VCF-style: chr15-50912167-G-A. GRCh37 (hg19) VCF-style: chr15-51204364-G-A.
Other names: c.-27+18G>A (NM_001252127.2).
Identifiers: ClinVar variation 380768 (VCV000380768.16), dbSNP rs1147129, ClinGen allele CA7558688.
Genomic context (GRCh38, chr15:50,912,167, plus strand): 5'-GAGTAGTCTGAAAGCGACTGTTTCTGCTCCTACTACAACACTGGTAGGTTTGCATAGTCA[G>A]TGCCAACACATTTGAATTTGAAATCTAGTCACTGTGGACTCAATAGTGGCATCTAACTGA-3'